The following is an entry in ClinVar:

NM_000179.3(MSH6):c.2019A>G (p.Pro673=)

Gene: MSH6 (mutS homolog 6; plus strand). Cytogenetic location: 2p16.3.
Variant type: single nucleotide variant.
Coding change: c.2019A>G on transcript NM_000179.3 (MANE Select); coding-DNA position 2019, A replaced by G.
Protein change: p.Pro673=; no amino-acid change (proline 673 retained).
Molecular consequence: synonymous variant.
Genome position (GRCh38, 1-based): chr2:47,800,002, A>G. VCF-style: chr2-47800002-A-G. GRCh37 (hg19) VCF-style: chr2-48027141-A-G.
Other names: c.1629A>G, p.Pro543= (NM_001281492.2); c.1113A>G, p.Pro371= (NM_001281493.2, NM_001281494.2).
Identifiers: ClinVar variation 215643 (VCV000215643.20), dbSNP rs863224327, ClinGen allele CA336499.

ClinVar aggregate classification (germline): Benign/Likely benign. Review status: criteria provided, multiple submitters, no conflicts (2 of 4 stars). 5 submissions from 5 submitters: Benign (2); Likely benign (3). Last evaluated 2025-09-22.

Conditions:
Hereditary cancer-predisposing syndrome. Also called: Hereditary neoplastic syndrome; Neoplastic Syndromes, Hereditary; Tumor predisposition; Hereditary Cancer Syndrome. Identifiers: Orphanet 140162, MedGen C0027672, MeSH D009386, MONDO:0015356.
Hereditary nonpolyposis colorectal neoplasms. Identifiers: MedGen C0009405, MeSH D003123.
Lynch syndrome 5 (LYNCH5). Also called: Colorectal cancer, hereditary nonpolyposis, type 5; Hereditary non-polyposis colorectal cancer, type 5. Identifiers: Orphanet 144, MedGen C1833477, MONDO:0013710, OMIM 614350. Disease mechanism: loss of function.

Allele frequency attached by ClinVar (database versions not stated): gnomAD exomes below 0.00001.
gnomAD v4.1: 3 of 1,614,084 alleles (0.00019%); highest among the groups gnomAD compares: Admixed American, 0.0017%; no homozygotes.

Submissions (5):

Labcorp Genetics (formerly Invitae), Labcorp
Classification: Likely benign for Hereditary nonpolyposis colorectal neoplasms. Last evaluated: 2025-09-22. Review status: criteria provided, single submitter. Criteria: Invitae Variant Classification Sherloc (09022015). Collection method: clinical testing. Allele origin: germline.

Myriad Genetics, Inc.
Classification: Benign for Lynch syndrome 5. Last evaluated: 2024-12-30. Review status: criteria provided, single submitter. Criteria: Myriad Autosomal Dominant, Autosomal Recessive and X-Linked Classification Criteria (2023). Collection method: clinical testing. Allele origin: unknown.
Comment: This variant is considered benign. This variant is a silent/synonymous amino acid change and it is not expected to impact splicing.

Women's Health and Genetics/Laboratory Corporation of America, LabCorp
Classification: Likely benign. Last evaluated: 2021-07-09. Review status: criteria provided, single submitter. Criteria: LabCorp Variant Classification Summary - May 2015. Collection method: clinical testing. Allele origin: germline.

Ambry Genetics
Classification: Likely benign for Hereditary cancer-predisposing syndrome. Last evaluated: 2019-11-13. Review status: criteria provided, single submitter. Criteria: Ambry Variant Classification Scheme 2023. Collection method: clinical testing. Allele origin: germline.

GeneDx
Classification: Benign. Last evaluated: 2015-09-09. Review status: criteria provided, single submitter. Criteria: GeneDx Variant Classification Process June 2021. Collection method: clinical testing. Allele origin: germline. Affected: yes.